The following is an entry in ClinVar:

NM_001256071.3(RNF213):c.7861G>A (p.Ala2621Thr)

Gene: RNF213 (ring finger protein 213; plus strand). Cytogenetic location: 17q25.3.
Variant type: single nucleotide variant.
Coding change: c.7861G>A on transcript NM_001256071.3 (MANE Select); coding-DNA position 7861, G replaced by A.
Protein change: p.Ala2621Thr; replaces alanine 2621 with threonine.
Molecular consequence: missense variant.
Genome position (GRCh38, 1-based): chr17:80,346,196, G>A. VCF-style: chr17-80346196-G-A. GRCh37 (hg19) VCF-style: chr17-78319996-G-A.
Other names: c.8008G>A, p.Ala2670Thr (NM_001410195.1, NM_020914.5); short protein forms A2621T, A2670T.
Identifiers: ClinVar variation 3776591 (VCV003776591.2).

ClinVar aggregate classification (germline): Uncertain significance (1 of 4 stars; one submission).

gnomAD v4.1: 31 of 1,614,064 alleles (0.0019%); highest among the groups gnomAD compares: African/African-American, 0.0067%; no homozygotes.

Submission:

GeneDx
Classification: Uncertain significance. Last evaluated: 2025-12-24. Review status: criteria provided, single submitter. Criteria: GeneDx Variant Classification Process June 2021. Collection method: clinical testing. Allele origin: germline.
Comment: In silico analysis supports that this missense variant has a deleterious effect on protein structure/function; Has not been previously published as pathogenic or benign to our knowledge